The following is an entry in ClinVar:

NM_002495.4(NDUFS4):c.377_384del (p.Leu126fs)

Gene: NDUFS4 (NADH:ubiquinone oxidoreductase subunit S4; plus strand). Cytogenetic location: 5q11.2.
Variant type: Deletion.
Coding change: c.377_384del on transcript NM_002495.4 (MANE Select); coding-DNA positions 377 to 384, 8 bases deleted (TAACCTTC; older notation c.377_384delTAACCTTC).
Protein change: p.Leu126fs; shifts the reading frame from leucine 126.
Molecular consequence: frameshift variant. On other transcripts: non-coding transcript variant (3), intron variant (1).
Genome position (GRCh38, 1-based): chr5:53,658,577-53,658,584, TAACCTTC deleted; deleting any 8 consecutive bases within chr5:53,658,574-53,658,584 gives the same sequence; the c. name uses the placement nearest the transcript's 3' end. VCF-style (leftmost placement, unchanged base first): chr5-53658573-GTTCTAACC-G. GRCh37 (hg19) VCF-style: chr5-52954403-GTTCTAACC-G.
Other names: c.350+12172_350+12179del (NM_001318051.2); short protein forms L126fs.
Identifiers: ClinVar variation 524137 (VCV000524137.2), dbSNP rs1554060168, ClinGen allele CA658796526.

ClinVar aggregate classification (germline): Likely pathogenic (1 of 4 stars; one submission).

Submission:

GeneDx
Classification: Likely pathogenic. Last evaluated: 2018-04-20. Review status: criteria provided, single submitter. Criteria: GeneDx Variant Classification (06012015). Collection method: clinical testing. Allele origin: germline. Affected: yes.
Comment: The c.377_384delTAACCTTC variant in the NDUFS4 gene has not been reported previously as a pathogenic variant nor as a benign variant, to our knowledge. The c.377_384delTAACCTTC variant causes a frameshift starting with codon Leucine 126, changes this amino acid to a Glutamine residue, and creates a premature Stop codon at position 3 of the new reading frame, denoted p.Leu126GlnfsX3. This variant is predicted to cause loss of normal protein function through protein truncation, as the last 50 amino acids are lost and replaced with 2 incorrect amino acids. This variant is not observed in large population cohorts (Lek et al., 2016). We interpret c.377_384delTAACCTTC as a likely pathogenic variant.